The following is an entry in ClinVar:

NM_172240.3(POC1B):c.137A>G (p.Asn46Ser)

Genes: POC1B-DUSP6 (POC1B-DUSP6 readthrough; minus strand), POC1B (POC1 centriolar protein B; minus strand). Cytogenetic location: 12q21.33.
Variant type: single nucleotide variant.
Coding change: c.137A>G on transcript NM_172240.3 (MANE Select); coding-DNA position 137, A replaced by G.
Protein change: p.Asn46Ser; replaces asparagine 46 with serine.
Molecular consequence: missense variant.
Genome position (GRCh38, 1-based): chr12:89,497,306, T>C on the plus strand (A>G on the coding strand, the complement: POC1B is on the minus strand). VCF-style: chr12-89497306-T-C. GRCh37 (hg19) VCF-style: chr12-89891083-T-C.
Other names: c.11A>G, p.Asn4Ser (NM_001199777.2); short protein forms N46S, N4S.
Identifiers: ClinVar variation 2083869 (VCV002083869.4), dbSNP rs143772586, ClinGen allele CA6714600.
Genomic context (GRCh38, chr12:89,497,306, plus strand): 5'-ACGCTGGTTACAACATCCTTGTGACCCACATATCTGTAAGCTCTAGCATGTGGCTTGAAA[T>C]TCCATAGCATGAGAAAGGTATCCCAAGAAGCAGTAGCTATCAAGAAATAGAAGAACAAAA-3'
Protein context (NP_758440.1, residues 36-56): ASWDTFLMLW[Asn46Ser]FKPHARAYRY

ClinVar aggregate classification (germline): Uncertain significance (1 of 4 stars; one submission).

Allele frequency attached by ClinVar (database versions not stated): TOPMed below 0.00001; ExAC 0.00001; gnomAD exomes 0.00001; ESP Exome Variant Server 0.00008.
gnomAD v4.1: 10 of 1,612,772 alleles (0.00062%); highest among the groups gnomAD compares: Non-Finnish European, 0.00076%; no homozygotes.

Submission:

Labcorp Genetics (formerly Invitae), Labcorp
Classification: Uncertain significance. Last evaluated: 2022-01-15. Review status: criteria provided, single submitter. Criteria: Invitae Variant Classification Sherloc (09022015). Collection method: clinical testing. Allele origin: germline.
Comment: In summary, the available evidence is currently insufficient to determine the role of this variant in disease. Therefore, it has been classified as a Variant of Uncertain Significance. Advanced modeling of protein sequence and biophysical properties (such as structural, functional, and spatial information, amino acid conservation, physicochemical variation, residue mobility, and thermodynamic stability) performed at Invitae indicates that this missense variant is not expected to disrupt POC1B protein function. This variant has not been reported in the literature in individuals affected with POC1B-related conditions. This variant is not present in population databases (gnomAD no frequency). This sequence change replaces asparagine, which is neutral and polar, with serine, which is neutral and polar, at codon 46 of the POC1B protein (p.Asn46Ser).